The following is an entry in ClinVar:

ClinVar aggregate classification (germline): Uncertain significance. Review status: criteria provided, multiple submitters, no conflicts (2 of 4 stars). 2 submissions from 2 submitters: Uncertain significance (2). Last evaluated 2024-12-09.

Conditions:
Hereditary cancer-predisposing syndrome. Also called: Neoplastic Syndromes, Hereditary; Hereditary Cancer Syndrome; Hereditary neoplastic syndrome; Tumor predisposition. Identifiers: Orphanet 140162, MedGen C0027672, MeSH D009386, MONDO:0015356.

Allele frequency attached by ClinVar (database versions not stated): gnomAD exomes 0.00001; ExAC 0.00002.
gnomAD v4.1: 5 of 1,614,154 alleles (0.00031%); highest among the groups gnomAD compares: Non-Finnish European, 0.00025%; no homozygotes.

Submissions (2):

Labcorp Genetics (formerly Invitae), Labcorp
Classification: Uncertain significance. Last evaluated: 2024-12-09. Review status: criteria provided, single submitter. Criteria: Invitae Variant Classification Sherloc (09022015). Collection method: clinical testing. Allele origin: germline.
Comment: This sequence change replaces lysine, which is basic and polar, with arginine, which is basic and polar, at codon 907 of the MSH3 protein (p.Lys907Arg). This variant is present in population databases (rs755919951, gnomAD 0.002%). This variant has not been reported in the literature in individuals affected with MSH3-related conditions. ClinVar contains an entry for this variant (Variation ID: 1440023). An algorithm developed to predict the effect of missense changes on protein structure and function outputs the following: PolyPhen-2: "Benign". The arginine amino acid residue is found in multiple mammalian species, which suggests that this missense change does not adversely affect protein function. In summary, the available evidence is currently insufficient to determine the role of this variant in disease. Therefore, it has been classified as a Variant of Uncertain Significance.

Ambry Genetics
Classification: Uncertain significance for Hereditary cancer-predisposing syndrome. Last evaluated: 2023-02-15. Review status: criteria provided, single submitter. Criteria: Ambry Variant Classification Scheme 2023. Collection method: clinical testing. Allele origin: germline.
Comment: The p.K907R variant (also known as c.2720A>G), located in coding exon 20 of the MSH3 gene, results from an A to G substitution at nucleotide position 2720. The lysine at codon 907 is replaced by arginine, an amino acid with highly similar properties. This amino acid position is conserved. In addition, this alteration is predicted to be tolerated by in silico analysis. Since supporting evidence is limited at this time, the clinical significance of this alteration remains unclear.

NM_002439.5(MSH3):c.2720A>G (p.Lys907Arg)

Gene: MSH3 (mutS homolog 3; plus strand). Cytogenetic location: 5q14.1.
Variant type: single nucleotide variant.
Coding change: c.2720A>G on transcript NM_002439.5 (MANE Select); coding-DNA position 2720, A replaced by G.
Protein change: p.Lys907Arg; replaces lysine 907 with arginine.
Molecular consequence: missense variant.
Genome position (GRCh38, 1-based): chr5:80,813,648, A>G. VCF-style: chr5-80813648-A-G. GRCh37 (hg19) VCF-style: chr5-80109467-A-G.
Other names: c.2720A>G (NM_002439.3); short protein forms K907R.
Identifiers: ClinVar variation 1440023 (VCV001440023.7), dbSNP rs755919951, ClinGen allele CA3328336.